The following is an entry in ClinVar:

NM_018718.3(CEP41):c.*136T>G

Gene: CEP41 (centrosomal protein 41; minus strand). Cytogenetic location: 7q32.2.
Variant type: single nucleotide variant.
Coding change: c.*136T>G on transcript NM_018718.3 (MANE Select); 136 bases downstream of the stop codon, T replaced by G.
Molecular consequence: 3 prime UTR variant. On other transcripts: non-coding transcript variant (1).
Genome position (GRCh38, 1-based): chr7:130,398,755, A>C on the plus strand (T>G on the coding strand, the complement: CEP41 is on the minus strand). VCF-style: chr7-130398755-A-C. GRCh37 (hg19) VCF-style: chr7-130038596-A-C.
Other names: c.*136T>G (NM_001257158.2, NM_001257159.2).
Identifiers: ClinVar variation 911314 (VCV000911314.7), dbSNP rs148305542, ClinGen allele CA4485346.
Genomic context (GRCh38, chr7:130,398,755, plus strand): 5'-GTCACCTGTCAAAATCCTTCCTGAGGTGGCCTCCTGAGGGGAGAGGAACTGGAGACAGGG[A>C]CAGGGAAGAGGCCTATCCCATACATATGTCATGGTCTTTCCTCTGCAGAAGTTTCTGGAA-3'

ClinVar aggregate classification (germline): Likely benign. Review status: criteria provided, multiple submitters, no conflicts (2 of 4 stars). 3 submissions from 3 submitters: Likely benign (3). Last evaluated 2020-04-09.

Conditions:
Joubert syndrome 15 (JBTS15). Identifiers: Orphanet 475, MedGen C3280897, MONDO:0013763, OMIM 614464.

Allele frequency attached by ClinVar (database versions not stated): gnomAD exomes 0.00032 and 0.00067; ExAC 0.00076; 1000 Genomes Project 0.00160; 1000 Genomes Project 30x 0.00172; gnomAD 0.00271 and 0.00287; TOPMed 0.00302.
gnomAD v4.1: 723 of 1,046,858 alleles (0.069%); highest among the groups gnomAD compares: African/African-American, 0.92%; 4 homozygotes.

Submissions (3):

GeneDx
Classification: Likely benign. Last evaluated: 2020-04-09. Review status: criteria provided, single submitter. Criteria: GeneDx Variant Classification Process June 2021. Collection method: clinical testing. Allele origin: germline. Affected: yes.

Illumina Laboratory Services, Illumina
Classification: Likely benign for Joubert syndrome 15. Last evaluated: 2018-01-12. Review status: criteria provided, single submitter. Criteria: ICSL Variant Classification Criteria 13 December 2019. Collection method: clinical testing. Allele origin: germline.
Comment: This variant was observed in the ICSL laboratory as part of a predisposition screen in an ostensibly healthy population. It had not been previously curated by ICSL or reported in the Human Gene Mutation Database (HGMD: prior to June 1st, 2018), and was therefore a candidate for classification through an automated scoring system. Utilizing variant allele frequency, disease prevalence and penetrance estimates, and inheritance mode, an automated score was calculated to assess if this variant is too frequent to cause the disease. Based on the score and internal cut-off values, a variant classified as likely benign is not then subjected to further curation. The score for this variant resulted in a classification of likely benign for this disease.

Breakthrough Genomics
Classification: Likely benign. Review status: criteria provided, single submitter. Criteria: ACMG Guidelines, 2015. Collection method: not provided. Allele origin: germline. Inheritance: Autosomal recessive inheritance. Affected: yes.